The following is an entry in ClinVar:

ClinVar aggregate classification (germline): Pathogenic (1 of 4 stars; one submission).

Conditions:
Charcot-Marie-Tooth disease type 4. Also called: Charcot-Marie-Tooth disease, type IV; Charcot-Marie-Tooth, Type 4. Identifiers: Orphanet 64749, MedGen C4082197, MONDO:0018995.

Submission:

Labcorp Genetics (formerly Invitae), Labcorp
Classification: Pathogenic for Charcot-Marie-Tooth disease type 4. Last evaluated: 2018-10-16. Review status: criteria provided, single submitter. Criteria: Invitae Variant Classification Sherloc (09022015). Collection method: clinical testing. Allele origin: germline.
Comment: For these reasons, this variant has been classified as Pathogenic. Loss-of-function variants in MTMR2 are known to be pathogenic (PMID: 10802647). This variant has not been reported in the literature in individuals with MTMR2-related disease. This variant is not present in population databases (ExAC no frequency). This sequence change creates a premature translational stop signal (p.Glu152Cysfs*3) in the MTMR2 gene. It is expected to result in an absent or disrupted protein product.

Literature cited by the submitters: PubMed 10802647.

NM_016156.6(MTMR2):c.454_458del (p.Glu152fs)

Gene: MTMR2 (myotubularin related protein 2; minus strand). Cytogenetic location: 11q21.
Variant type: Deletion.
Coding change: c.454_458del on transcript NM_016156.6 (MANE Select); coding-DNA positions 454 to 458, 5 bases deleted (GAAAC; older notation c.454_458delGAAAC).
Protein change: p.Glu152fs; shifts the reading frame from glutamic acid 152.
Molecular consequence: frameshift variant.
Genome position (GRCh38, 1-based): chr11:95,862,002-95,862,006, GTTTC deleted on the plus strand (GAAAC on the coding strand, the reverse complement: MTMR2 is on the minus strand). VCF-style (leftmost placement, unchanged base first): chr11-95862001-AGTTTC-A. GRCh37 (hg19) VCF-style: chr11-95595165-AGTTTC-A.
Other names: c.238_242del, p.Glu80fs (NM_001243571.2, NM_201278.3, NM_201281.3); c.454_458delGAAAC (NM_016156.5); short protein forms E152fs, E80fs.
Identifiers: ClinVar variation 646293 (VCV000646293.6), dbSNP rs1590997023, ClinGen allele CA915947759.